The following is an entry in ClinVar:

NM_001018115.3(FANCD2):c.817A>G (p.Ile273Val)

Genes: FANCD2 (FA complementation group D2; plus strand), LOC107303338 (3p25 FANCD2 Alu-mediated recombination region; plus strand). Cytogenetic location: 3p25.3.
Variant type: single nucleotide variant.
Coding change: c.817A>G on transcript NM_001018115.3 (MANE Select); coding-DNA position 817, A replaced by G.
Protein change: p.Ile273Val; replaces isoleucine 273 with valine.
Molecular consequence: missense variant.
Genome position (GRCh38, 1-based): chr3:10,042,592, A>G. VCF-style: chr3-10042592-A-G. GRCh37 (hg19) VCF-style: chr3-10084276-A-G.
Other names: c.817A>G (NM_033084.5); c.817A>G, p.Ile273Val (NM_001319984.2, NM_001374253.1, NM_001374254.1 and 1 more transcripts); short protein forms I273V.
Identifiers: ClinVar variation 640600 (VCV000640600.14), dbSNP rs770985541, ClinGen allele CA2249378.

ClinVar aggregate classification (germline): Conflicting classifications of pathogenicity. Review status: criteria provided, conflicting classifications (1 of 4 stars). 5 submissions from 5 submitters: Uncertain significance (4); Likely benign (1). Last evaluated 2025-07-06.

Conditions:
Fanconi anemia complementation group D2. Also called: FANCD2-Related Fanconi Anemia; FANCONI PANCYTOPENIA, TYPE 4; FANCONI ANEMIA, COMPLEMENTATION GROUP D. Identifiers: Orphanet 84, MedGen C3160738, MONDO:0009214, OMIM 227646.
Fanconi anemia (FA). Also called: Fanconi's anemia. Identifiers: Orphanet 84, MedGen C0015625, MeSH D005199, MONDO:0019391.

Allele frequency attached by ClinVar (database versions not stated): gnomAD exomes 0.00005 and 0.00010; ExAC 0.00006; gnomAD 0.00006 and 0.00007; TOPMed 0.00006.
gnomAD v4.1: 162 of 1,613,948 alleles (0.01%); highest among the groups gnomAD compares: Non-Finnish European, 0.013%; no homozygotes.

Submissions (5):

Labcorp Genetics (formerly Invitae), Labcorp
Classification: Uncertain significance for Fanconi anemia. Last evaluated: 2025-07-06. Review status: criteria provided, single submitter. Criteria: Invitae Variant Classification Sherloc (09022015). Collection method: clinical testing. Allele origin: germline.
Comment: This sequence change replaces isoleucine, which is neutral and non-polar, with valine, which is neutral and non-polar, at codon 273 of the FANCD2 protein (p.Ile273Val). This variant is present in population databases (rs770985541, gnomAD 0.02%). This variant has not been reported in the literature in individuals affected with FANCD2-related conditions. ClinVar contains an entry for this variant (Variation ID: 640600). Invitae Evidence Modeling of protein sequence and biophysical properties (such as structural, functional, and spatial information, amino acid conservation, physicochemical variation, residue mobility, and thermodynamic stability) indicates that this missense variant is not expected to disrupt FANCD2 protein function with a negative predictive value of 80%. In summary, the available evidence is currently insufficient to determine the role of this variant in disease. Therefore, it has been classified as a Variant of Uncertain Significance.

Revvity Omics, Revvity
Classification: Uncertain significance for Fanconi anemia complementation group D2. Last evaluated: 2025-06-12. Review status: criteria provided, single submitter. Criteria: ACMG Guidelines, 2015. Collection method: clinical testing. Allele origin: germline.

Fulgent Genetics
Classification: Uncertain significance for Fanconi anemia complementation group D2. Last evaluated: 2024-01-05. Review status: criteria provided, single submitter. Criteria: ACMG Guidelines, 2015. Collection method: clinical testing. Allele origin: germline.

Blueprint Genetics
Classification: Likely benign. Last evaluated: 2023-11-13. Review status: criteria provided, single submitter. Criteria: ACMG Guidelines, 2015. Collection method: clinical testing. Allele origin: germline.

Genetic Services Laboratory, University of Chicago
Classification: Uncertain significance. Last evaluated: 2021-07-30. Review status: criteria provided, single submitter. Criteria: ACMG Guidelines, 2015. Collection method: clinical testing. Allele origin: germline. Affected: no.
Comment: This sequence change does not appear to have been previously described in patients with FANCD2-related disorders and has been described in the gnomAD database with a low population frequency of 0.0077% in the non-Finnish European subpopulation (dbSNP rs770985541). The p.Ile273Val change affects a poorly conserved amino acid residue located in a domain of the FANCD2 protein that is known to be functional. The p.Ile273Val substitution appears to be benign using several in-silico pathogenicity prediction tools (SIFT, PolyPhen2, Align GVGD, REVEL). Due to these contrasting evidences and the lack of functional studies, the clinical significance of the p.Ile273Val change remains unknown at this time.